The following is an entry in ClinVar:

NM_015215.4(CAMTA1):c.1094G>C (p.Gly365Ala)

Gene: CAMTA1 (calmodulin binding transcription activator 1; plus strand). Cytogenetic location: 1p36.23.
Variant type: single nucleotide variant.
Coding change: c.1094G>C on transcript NM_015215.4 (MANE Select); coding-DNA position 1094, G replaced by C.
Protein change: p.Gly365Ala; replaces glycine 365 with alanine.
Molecular consequence: missense variant.
Genome position (GRCh38, 1-based): chr1:7,663,641, G>C. VCF-style: chr1-7663641-G-C. GRCh37 (hg19) VCF-style: chr1-7723701-G-C.
Other names: c.1004G>C, p.Gly335Ala (NM_001349608.2, NM_001349612.2); c.1094G>C, p.Gly365Ala (NM_001349609.2, NM_001349610.2, NM_001410737.1); c.1022G>C, p.Gly341Ala (NM_001410738.1); short protein forms G335A, G341A, G365A.
Identifiers: ClinVar variation 3774848 (VCV003774848.1).

ClinVar aggregate classification (germline): Uncertain significance (1 of 4 stars; one submission).

gnomAD v4.1: 2 of 1,614,156 alleles (0.00012%); highest among the groups gnomAD compares: East Asian, 0.0022%; no homozygotes.

Submission:

GeneDx
Classification: Uncertain significance. Last evaluated: 2024-09-30. Review status: criteria provided, single submitter. Criteria: GeneDx Variant Classification Process June 2021. Collection method: clinical testing. Allele origin: germline. Affected: yes.
Comment: Not observed at significant frequency in large population cohorts (gnomAD); In silico analysis supports that this missense variant has a deleterious effect on protein structure/function; Has not been previously published as pathogenic or benign to our knowledge